The following is an entry in ClinVar:

ClinVar aggregate classification (germline): Uncertain significance. Review status: criteria provided, multiple submitters, no conflicts (2 of 4 stars). 3 submissions from 3 submitters: Uncertain significance (2). 1 of the submissions does not count toward it. Last evaluated 2021-11-07.

Conditions:
Mucopolysaccharidosis, MPS-III-A (MPS3A). Also called: mucopolysaccharidosis type 3A; MPS IIIA (Sanfilippo Syndrome Type A); HEPARAN SULFATE SULFATASE DEFICIENCY; MUCOPOLYSACCHARIDOSIS, TYPE IIIA, ATTENUATED; Mucopolysaccharidosis type IIIA (Sanfilippo A); Mucopolysaccharidosis, type IIIA. Identifiers: Orphanet 581, Orphanet 79269, MedGen C0086647, MONDO:0009655, OMIM 252900.

Allele frequency attached by ClinVar (database versions not stated): TOPMed below 0.00001; gnomAD 0.00001.

Submissions (3):

Genome-Nilou Lab
Classification: Uncertain significance for Mucopolysaccharidosis, MPS-III-A. Last evaluated: 2021-11-07. Review status: criteria provided, single submitter. Criteria: ACMG Guidelines, 2015. Collection method: clinical testing. Allele origin: germline. Affected: no.

Labcorp Genetics (formerly Invitae), Labcorp
Classification: Uncertain significance for Mucopolysaccharidosis, MPS-III-A. Last evaluated: 2021-08-28. Review status: criteria provided, single submitter. Criteria: Invitae Variant Classification Sherloc (09022015). Collection method: clinical testing. Allele origin: germline.
Comment: This sequence change replaces threonine with isoleucine at codon 241 of the SGSH protein (p.Thr241Ile). The threonine residue is highly conserved and there is a moderate physicochemical difference between threonine and isoleucine. The frequency data for this variant in the population databases is considered unreliable, as metrics indicate poor data quality at this position in the ExAC database. This variant has not been reported in the literature in individuals affected with SGSH-related conditions. Advanced modeling of protein sequence and biophysical properties (such as structural, functional, and spatial information, amino acid conservation, physicochemical variation, residue mobility, and thermodynamic stability) performed at Invitae indicates that this missense variant is expected to disrupt SGSH protein function. In summary, the available evidence is currently insufficient to determine the role of this variant in disease. Therefore, it has been classified as a Variant of Uncertain Significance.

Natera, Inc.
Classification: Uncertain significance for Mucopolysaccharidosis type IIIA. Last evaluated: 2021-09-24. Review status: no assertion criteria provided. Collection method: clinical testing. Allele origin: germline. Not counted in ClinVar's aggregate classification.

NM_000199.5(SGSH):c.722C>T (p.Thr241Ile)

Gene: SGSH (N-sulfoglucosamine sulfohydrolase; minus strand). Cytogenetic location: 17q25.3.
Variant type: single nucleotide variant.
Coding change: c.722C>T on transcript NM_000199.5 (MANE Select); coding-DNA position 722, C replaced by T.
Protein change: p.Thr241Ile; replaces threonine 241 with isoleucine.
Molecular consequence: missense variant. On other transcripts: non-coding transcript variant (1).
Genome position (GRCh38, 1-based): chr17:80,213,827, G>A on the plus strand (C>T on the coding strand, the complement: SGSH is on the minus strand). VCF-style: chr17-80213827-G-A. GRCh37 (hg19) VCF-style: chr17-78187626-G-A.
Other names: c.722C>T, p.Thr241Ile (NM_001352921.3, NM_001352922.2); short protein forms T241I.
Identifiers: ClinVar variation 1053489 (VCV001053489.8), dbSNP rs774439487, ClinGen allele CA8817825.